The following is an entry in ClinVar:

NM_001371623.1(TCOF1):c.4171G>A (p.Ala1391Thr)

Gene: TCOF1 (treacle ribosome biogenesis factor 1; plus strand). Cytogenetic location: 5q32.
Variant type: single nucleotide variant.
Coding change: c.4171G>A on transcript NM_001371623.1 (MANE Select); coding-DNA position 4171, G replaced by A.
Protein change: p.Ala1391Thr; replaces alanine 1391 with threonine.
Molecular consequence: missense variant.
Genome position (GRCh38, 1-based): chr5:150,396,668, G>A. VCF-style: chr5-150396668-G-A. GRCh37 (hg19) VCF-style: chr5-149776231-G-A.
Other names: c.4168G>A (NM_001135243.1); c.3937G>A, p.Ala1313Thr (NM_000356.4); c.4168G>A, p.Ala1390Thr (NM_001135243.2); c.4057G>A, p.Ala1353Thr (NM_001135244.2); c.3940G>A, p.Ala1314Thr (NM_001135245.2); c.4054G>A, p.Ala1352Thr (NM_001195141.2); short protein forms A1353T, A1313T, A1314T, A1390T, A1391T, A1352T.
Identifiers: ClinVar variation 2726313 (VCV002726313.4), dbSNP rs371063028, ClinGen allele CA3511677.

ClinVar aggregate classification (germline): Uncertain significance. Review status: criteria provided, multiple submitters, no conflicts (2 of 4 stars). 2 submissions from 2 submitters: Uncertain significance (2). Last evaluated 2025-03-17.

Conditions:
Treacher Collins syndrome 1 (TCS1). Also called: TCOF1-Related Treacher Collins Syndrome. Identifiers: Orphanet 861, MedGen CN315775, MONDO:0007944, OMIM 154500.
Inborn genetic diseases. Identifiers: MedGen C0950123, MeSH D030342.

Allele frequency attached by ClinVar (database versions not stated): TOPMed below 0.00001; ExAC 0.00001; gnomAD 0.00001; gnomAD exomes 0.00001.
gnomAD v4.1: 12 of 1,611,666 alleles (0.00074%); highest among the groups gnomAD compares: East Asian, 0.018%; no homozygotes.

Submissions (2):

Labcorp Genetics (formerly Invitae), Labcorp
Classification: Uncertain significance for Treacher Collins syndrome 1. Last evaluated: 2025-03-17. Review status: criteria provided, single submitter. Criteria: Invitae Variant Classification Sherloc (09022015). Collection method: clinical testing. Allele origin: germline.
Comment: This sequence change replaces alanine, which is neutral and non-polar, with threonine, which is neutral and polar, at codon 1390 of the TCOF1 protein (p.Ala1390Thr). This variant is present in population databases (rs371063028, gnomAD 0.06%). This variant has not been reported in the literature in individuals affected with TCOF1-related conditions. ClinVar contains an entry for this variant (Variation ID: 2726313). An algorithm developed to predict the effect of missense changes on protein structure and function (PolyPhen-2) suggests that this variant is likely to be tolerated. In summary, the available evidence is currently insufficient to determine the role of this variant in disease. Therefore, it has been classified as a Variant of Uncertain Significance.

Ambry Genetics
Classification: Uncertain significance for Inborn genetic diseases. Last evaluated: 2024-09-26. Review status: criteria provided, single submitter. Criteria: Ambry Variant Classification Scheme 2023. Collection method: clinical testing. Allele origin: germline.